The following is an entry in ClinVar:

ClinVar aggregate classification (germline): Pathogenic (1 of 4 stars; one submission).

Conditions:
DICER1-related tumor predisposition. Also called: DICER1 syndrome; DICER1-related pleuropulmonary blastoma cancer predisposition syndrome. Identifiers: Orphanet 284343, MedGen C3839822, MONDO:0100216.

Submission:

Labcorp Genetics (formerly Invitae), Labcorp
Classification: Pathogenic for DICER1-related tumor predisposition. Last evaluated: 2022-01-12. Review status: criteria provided, single submitter. Criteria: Invitae Variant Classification Sherloc (09022015). Collection method: clinical testing. Allele origin: germline.
Comment: This variant has not been reported in the literature in individuals affected with DICER1-related conditions. For these reasons, this variant has been classified as Pathogenic. This variant is not present in population databases (gnomAD no frequency). This sequence change creates a premature translational stop signal (p.Ser3Argfs*37) in the DICER1 gene. It is expected to result in an absent or disrupted protein product. Loss-of-function variants in DICER1 are known to be pathogenic (PMID: 19556464, 21266384).

Literature cited by the submitters: PubMed 19556464; PubMed 21266384.

NM_177438.3(DICER1):c.8dup (p.Ser3fs)

Gene: DICER1 (dicer 1, ribonuclease III; minus strand). Cytogenetic location: 14q32.13.
Variant type: Duplication.
Coding change: c.8dup on transcript NM_177438.3 (MANE Select); coding-DNA position 8, one base duplicated (G; older notation c.8dupG).
Protein change: p.Ser3fs; shifts the reading frame from serine 3.
Molecular consequence: frameshift variant.
Genome position (GRCh38, 1-based): chr14:95,133,451, C duplicated on the plus strand (G on the coding strand, the reverse complement: DICER1 is on the minus strand). VCF-style (leftmost placement, unchanged base first): chr14-95133450-G-GC. GRCh37 (hg19) VCF-style: chr14-95599787-G-GC.
Other names: c.8dup, p.Ser3fs (NM_001195573.1, NM_001271282.3, NM_001291628.2 and 1 more transcripts); short protein forms S3fs.
Identifiers: ClinVar variation 1376724 (VCV001376724.7), dbSNP rs2140296865, ClinGen allele CA2573150345.